The following is an entry in ClinVar:

NM_000057.4(BLM):c.2878T>A (p.Phe960Ile)

Gene: BLM (BLM RecQ like helicase; plus strand). Cytogenetic location: 15q26.1.
Variant type: single nucleotide variant.
Coding change: c.2878T>A on transcript NM_000057.4 (MANE Select); coding-DNA position 2878, T replaced by A.
Protein change: p.Phe960Ile; replaces phenylalanine 960 with isoleucine.
Molecular consequence: missense variant.
Genome position (GRCh38, 1-based): chr15:90,790,703, T>A. VCF-style: chr15-90790703-T-A. GRCh37 (hg19) VCF-style: chr15-91333933-T-A.
Other names: c.2878T>A, p.Phe960Ile (NM_001287246.2, NM_001287247.2); c.1753T>A, p.Phe585Ile (NM_001287248.2); short protein forms F960I, F585I.
Identifiers: ClinVar variation 2586906 (VCV002586906.2), dbSNP rs760842454, ClinGen allele CA393846328.
Genomic context (GRCh38, chr15:90,790,703, plus strand): 5'-TATCAGGTTATCTGTGCTACAATTGCATTTGGAATGGGGATTGACAAACCGGACGTGCGA[T>A]TTGTGATTCATGCATCTCTCCCTAAATCTGTGGAGGGTTACTACCAAGAATCTGGCAGAG-3'
Protein context (NP_000048.1, residues 950-970): GMGIDKPDVR[Phe960Ile]VIHASLPKSV

ClinVar aggregate classification (germline): Uncertain significance (1 of 4 stars; one submission).

Conditions:
Hereditary cancer-predisposing syndrome. Also called: Hereditary neoplastic syndrome; Tumor predisposition; Hereditary Cancer Syndrome; Neoplastic Syndromes, Hereditary. Identifiers: Orphanet 140162, MedGen C0027672, MeSH D009386, MONDO:0015356.

Submission:

Ambry Genetics
Classification: Uncertain significance for Hereditary cancer-predisposing syndrome. Last evaluated: 2023-09-07. Review status: criteria provided, single submitter. Criteria: Ambry Variant Classification Scheme 2023. Collection method: clinical testing. Allele origin: germline.
Comment: The p.F960I variant (also known as c.2878T>A), located in coding exon 14 of the BLM gene, results from a T to A substitution at nucleotide position 2878. The phenylalanine at codon 960 is replaced by isoleucine, an amino acid with highly similar properties. This amino acid position is conserved. In addition, the in silico prediction for this alteration is inconclusive. Since supporting evidence is limited at this time, the clinical significance of this alteration remains unclear.